The following is an entry in ClinVar:

ClinVar aggregate classification (germline): Conflicting classifications of pathogenicity. Review status: criteria provided, conflicting classifications (1 of 4 stars). 2 submissions from 2 submitters: Uncertain significance (1); Likely benign (1). Last evaluated 2025-01-29.

Submissions (2):

Ambry Genetics
Classification: Likely benign. Last evaluated: 2025-01-29. Review status: criteria provided, single submitter. Criteria: Ambry Variant Classification Scheme 2023. Collection method: clinical testing. Allele origin: germline.

Labcorp Genetics (formerly Invitae), Labcorp
Classification: Uncertain significance. Last evaluated: 2022-02-25. Review status: criteria provided, single submitter. Criteria: Invitae Variant Classification Sherloc (09022015). Collection method: clinical testing. Allele origin: germline.
Comment: In summary, the available evidence is currently insufficient to determine the role of this variant in disease. Therefore, it has been classified as a Variant of Uncertain Significance. Algorithms developed to predict the effect of sequence changes on RNA splicing suggest that this variant may create or strengthen a splice site. Algorithms developed to predict the effect of missense changes on protein structure and function output the following: SIFT: "Tolerated"; PolyPhen-2: "Benign"; Align-GVGD: "Class C0". The serine amino acid residue is found in multiple mammalian species, which suggests that this missense change does not adversely affect protein function. This variant has not been reported in the literature in individuals affected with ICOSLG-related conditions. This variant is present in population databases (rs566695508, gnomAD 0.01%). This sequence change replaces glycine, which is neutral and non-polar, with serine, which is neutral and polar, at codon 90 of the ICOSLG protein (p.Gly90Ser).

NM_015259.6(ICOSLG):c.268G>A (p.Gly90Ser)

Gene: ICOSLG (inducible T cell costimulator ligand; minus strand). Cytogenetic location: 21q22.3.
Variant type: single nucleotide variant.
Coding change: c.268G>A on transcript NM_015259.6 (MANE Select); coding-DNA position 268, G replaced by A.
Protein change: p.Gly90Ser; replaces glycine 90 with serine.
Molecular consequence: missense variant. On other transcripts: intron variant (1).
Genome position (GRCh38, 1-based): chr21:44,237,005, C>T on the plus strand (G>A on the coding strand, the complement: ICOSLG is on the minus strand). VCF-style: chr21-44237005-C-T. GRCh37 (hg19) VCF-style: chr21-45656888-C-T.
Other names: c.268G>A (NM_015259.4); c.268G>A, p.Gly90Ser (NM_001283050.2); c.13G>A, p.Gly5Ser (NM_001283052.2); c.187G>A, p.Gly63Ser (NM_001365759.2); c.55+1443G>A (NM_001283051.2); short protein forms G63S, G90S, G5S.
Identifiers: ClinVar variation 1438553 (VCV001438553.9), dbSNP rs566695508, ClinGen allele CA321498239.
Genomic context (GRCh38, chr21:44,237,005, plus strand): 5'-TCTGCTCGTCCTGGGGGGTGACGTTGAACAAGCGCAGGGAGAAGTCGCCCCGCAGCATGC[C>T]GGCCGGTGACATCAGGGCTCGGTTCCGGTAGCGGCTGTCCACGTTTTCCAAGGAGCTGTT-3'
Protein context (NP_056074.1, residues 80-100): YRNRALMSPA[Gly90Ser]MLRGDFSLRL